The following is an entry in ClinVar:

ClinVar aggregate classification (germline): Uncertain significance (1 of 4 stars; one submission).

Allele frequency attached by ClinVar (database versions not stated): gnomAD 0.00001; gnomAD exomes 0.00002; TOPMed 0.00003; ExAC 0.00011.
gnomAD v4.1: 29 of 1,613,230 alleles (0.0018%); highest among the groups gnomAD compares: Admixed American, 0.023%; no homozygotes.

Submission:

Labcorp Genetics (formerly Invitae), Labcorp
Classification: Uncertain significance. Last evaluated: 2024-03-24. Review status: criteria provided, single submitter. Criteria: Invitae Variant Classification Sherloc (09022015). Collection method: clinical testing. Allele origin: germline.
Comment: This sequence change creates a premature translational stop signal (p.Arg172*) in the DIAPH3 gene. It is expected to result in an absent or disrupted protein product. However, the current clinical and genetic evidence is not sufficient to establish whether loss-of-function variants in DIAPH3 cause disease. This variant is present in population databases (rs759193958, gnomAD 0.04%). This variant has not been reported in the literature in individuals affected with DIAPH3-related conditions. In summary, the available evidence is currently insufficient to determine the role of this variant in disease. Therefore, it has been classified as a Variant of Uncertain Significance.

NM_001042517.2(DIAPH3):c.514C>T (p.Arg172Ter)

Genes: DIAPH3 (diaphanous related formin 3; minus strand), DIAPH3-AS1 (DIAPH3 antisense RNA 1; plus strand). Cytogenetic location: 13q21.2.
Variant type: single nucleotide variant.
Coding change: c.514C>T on transcript NM_001042517.2 (MANE Select); coding-DNA position 514, C replaced by T.
Protein change: p.Arg172Ter; replaces arginine 172 with a stop codon.
Molecular consequence: nonsense.
Genome position (GRCh38, 1-based): chr13:60,042,802, G>A on the plus strand (C>T on the coding strand, the complement: DIAPH3 is on the minus strand). VCF-style: chr13-60042802-G-A. GRCh37 (hg19) VCF-style: chr13-60616936-G-A.
Other names: c.481C>T, p.Arg161Ter (NM_001258366.2); c.376C>T, p.Arg126Ter (NM_001258367.2); c.304C>T, p.Arg102Ter (NM_001258368.2); c.514C>T, p.Arg172Ter (NM_001258369.2); short protein forms R102*, R161*, R172*, R126*.
Identifiers: ClinVar variation 2896049 (VCV002896049.2), dbSNP rs759193958, ClinGen allele CA6996984.